The following is an entry in ClinVar:

NM_018297.4(NGLY1):c.1649A>G (p.Tyr550Cys)

Gene: NGLY1 (N-glycanase 1; minus strand). Cytogenetic location: 3p24.2.
Variant type: single nucleotide variant.
Coding change: c.1649A>G on transcript NM_018297.4 (MANE Select); coding-DNA position 1649, A replaced by G.
Protein change: p.Tyr550Cys; replaces tyrosine 550 with cysteine.
Molecular consequence: missense variant. On other transcripts: intron variant (1).
Genome position (GRCh38, 1-based): chr3:25,720,154, T>C on the plus strand (A>G on the coding strand, the complement: NGLY1 is on the minus strand). VCF-style: chr3-25720154-T-C. GRCh37 (hg19) VCF-style: chr3-25761645-T-C.
Other names: c.1595A>G, p.Tyr532Cys (NM_001145293.2); c.1523A>G, p.Tyr508Cys (NM_001145294.2); c.1612-519A>G (NM_001145295.2); short protein forms Y508C, Y550C, Y532C.
Identifiers: ClinVar variation 656905 (VCV000656905.8), dbSNP rs373792768, ClinGen allele CA2289099.
Genomic context (GRCh38, chr3:25,720,154, plus strand): 5'-CTAATAGAAATGCTATCTACTTTTAGGCCAACTGACCCACACTCAAACTTCCAGGAAATA[T>C]AAGCAAAAGATGATCCTTCCTTTCGGGCCAAATATACCTATAAGGAGTAGGGATGGGGAG-3'
Protein context (NP_060767.2, residues 540-560): LARKEGSSFA[Tyr550Cys]ISWKFECGSV

ClinVar aggregate classification (germline): Uncertain significance. Review status: criteria provided, multiple submitters, no conflicts (2 of 4 stars). 2 submissions from 2 submitters: Uncertain significance (2). Last evaluated 2024-06-03.

Conditions:
Inborn genetic diseases. Identifiers: MedGen C0950123, MeSH D030342.
Congenital disorder of deglycosylation (CDDG). Identifiers: MedGen C3808991, MONDO:0031376.

Allele frequency attached by ClinVar (database versions not stated): ExAC 0.00002; gnomAD exomes 0.00002 and 0.00004; gnomAD 0.00005 and 0.00006; TOPMed 0.00006; ESP Exome Variant Server 0.00008.
gnomAD v4.1: 70 of 1,613,728 alleles (0.0043%); highest among the groups gnomAD compares: Non-Finnish European, 0.0058%; no homozygotes.

Submissions (2):

Labcorp Genetics (formerly Invitae), Labcorp
Classification: Uncertain significance for Congenital disorder of deglycosylation. Last evaluated: 2024-06-03. Review status: criteria provided, single submitter. Criteria: Invitae Variant Classification Sherloc (09022015). Collection method: clinical testing. Allele origin: germline.
Comment: This sequence change replaces tyrosine, which is neutral and polar, with cysteine, which is neutral and slightly polar, at codon 550 of the NGLY1 protein (p.Tyr550Cys). This variant is present in population databases (rs373792768, gnomAD 0.004%). This variant has not been reported in the literature in individuals affected with NGLY1-related conditions. ClinVar contains an entry for this variant (Variation ID: 656905). Advanced modeling of protein sequence and biophysical properties (such as structural, functional, and spatial information, amino acid conservation, physicochemical variation, residue mobility, and thermodynamic stability) performed at Invitae indicates that this missense variant is not expected to disrupt NGLY1 protein function with a negative predictive value of 80%. In summary, the available evidence is currently insufficient to determine the role of this variant in disease. Therefore, it has been classified as a Variant of Uncertain Significance.

Ambry Genetics
Classification: Uncertain significance for Inborn genetic diseases. Last evaluated: 2022-06-29. Review status: criteria provided, single submitter. Criteria: Ambry Variant Classification Scheme 2023. Collection method: clinical testing. Allele origin: germline.